The following is an entry in ClinVar:

ClinVar aggregate classification (germline): Uncertain significance (0 of 4 stars; one submission).

Conditions:
BBS9-related disorder. Also called: BBS9-related condition.

Submission:

PreventionGenetics, part of Exact Sciences
Classification: Uncertain significance for BBS9-related condition. Last evaluated: 2024-03-01. Review status: no assertion criteria provided. Collection method: clinical testing. Allele origin: germline.
Comment: The BBS9 c.1220_1221delinsTT variant is predicted to result in an in-frame deletion and insertion. To our knowledge, this variant has not been reported in the literature or in a large population database, indicating this variant is rare. At this time, the clinical significance of this variant is uncertain due to the absence of conclusive functional and genetic evidence.

NM_198428.3(BBS9):c.1220_1221delinsTT (p.Arg407Ile)

Gene: BBS9 (Bardet-Biedl syndrome 9; plus strand). Cytogenetic location: 7p14.3.
Variant type: Indel.
Coding change: c.1220_1221delinsTT on transcript NM_198428.3 (MANE Select); coding-DNA positions 1220 to 1221, GA replaced by TT.
Protein change: p.Arg407Ile; replaces arginine 407 with isoleucine.
Molecular consequence: missense variant. On other transcripts: non-coding transcript variant (3).
Genome position (GRCh38, 1-based): chr7:33,340,918-33,340,919, GA replaced by TT. VCF-style: chr7-33340918-GA-TT. GRCh37 (hg19) VCF-style: chr7-33380530-GA-TT.
Other names: c.1220_1221delinsTT, p.Arg407Ile (NM_001033604.2, NM_001033605.2, NM_001348036.1 and 5 more transcripts); c.854_855delinsTT, p.Arg285Ile (NM_001348037.3, NM_001348044.3, NM_001348045.3 and 1 more transcripts); c.947_948delinsTT, p.Arg316Ile (NM_001348038.3, NM_001348039.3); c.1085_1086delinsTT, p.Arg362Ile (NM_001348042.3); short protein forms R285I, R316I, R362I, R407I.
Identifiers: ClinVar variation 3349464 (VCV003349464.1).